The following is an entry in ClinVar:

NM_178138.6(LHX3):c.203G>A (p.Arg68His)

Gene: LHX3 (LIM homeobox 3; minus strand). Cytogenetic location: 9q34.3.
Variant type: single nucleotide variant.
Coding change: c.203G>A on transcript NM_178138.6 (MANE Select); coding-DNA position 203, G replaced by A.
Protein change: p.Arg68His; replaces arginine 68 with histidine.
Molecular consequence: missense variant.
Genome position (GRCh38, 1-based): chr9:136,200,630, C>T on the plus strand (G>A on the coding strand, the complement: LHX3 is on the minus strand). VCF-style: chr9-136200630-C-T. GRCh37 (hg19) VCF-style: chr9-139092476-C-T.
Other names: c.170G>A, p.Arg57His (NM_001363746.1); c.218G>A, p.Arg73His (NM_014564.5); short protein forms R57H, R68H, R73H.
Identifiers: ClinVar variation 2914738 (VCV002914738.2), dbSNP rs377183234, ClinGen allele CA5330587.

ClinVar aggregate classification (germline): Uncertain significance (1 of 4 stars; one submission).

Allele frequency attached by ClinVar (database versions not stated): ExAC 0.00001; gnomAD exomes 0.00001; TOPMed 0.00001; ESP Exome Variant Server 0.00008.

Submission:

Labcorp Genetics (formerly Invitae), Labcorp
Classification: Uncertain significance. Last evaluated: 2023-08-04. Review status: criteria provided, single submitter. Criteria: Invitae Variant Classification Sherloc (09022015). Collection method: clinical testing. Allele origin: germline.
Comment: This variant has not been reported in the literature in individuals affected with LHX3-related conditions. This variant is present in population databases (rs377183234, gnomAD 0.002%). This sequence change replaces arginine, which is basic and polar, with histidine, which is basic and polar, at codon 73 of the LHX3 protein (p.Arg73His). An algorithm developed to predict the effect of missense changes on protein structure and function (PolyPhen-2) suggests that this variant is likely to be disruptive. In summary, the available evidence is currently insufficient to determine the role of this variant in disease. Therefore, it has been classified as a Variant of Uncertain Significance.